The following is an entry in ClinVar:

ClinVar aggregate classification (germline): Likely benign (1 of 4 stars; one submission).

Submission:

CeGaT Center for Human Genetics Tuebingen
Classification: Likely benign. Last evaluated: 2023-09-01. Review status: criteria provided, single submitter. Criteria: CeGaT Center For Human Genetics Tuebingen Variant Classification Criteria Version 2. Collection method: clinical testing. Allele origin: germline. Affected: yes. Observed: 1 variant allele.
Comment: ZNF676: PM2:Supporting, BP4, BP7

NM_001001411.3(ZNF676):c.783A>C (p.Gly261=)

Gene: ZNF676 (zinc finger protein 676). Cytogenetic location: 19p12.
Variant type: single nucleotide variant.
Coding change: c.783A>C on transcript NM_001001411.3 (MANE Select); coding-DNA position 783, A replaced by C.
Protein change: p.Gly261=; no amino-acid change (glycine 261 retained).
Molecular consequence: synonymous variant.
Genome position (GRCh38, 1-based): chr19:22,180,934, T>G on the plus strand (A>C on the coding strand, the complement: ZNF676 is on the minus strand). VCF-style: chr19-22180934-T-G. GRCh37 (hg19) VCF-style: chr19-22363736-T-G.
Identifiers: ClinVar variation 2649643 (VCV002649643.24), dbSNP rs559970266, ClinGen allele CA506615552.